The following is an entry in ClinVar:

NM_005458.8(GABBR2):c.2667G>T (p.Gln889His)

Gene: GABBR2 (gamma-aminobutyric acid type B receptor subunit 2; minus strand). Cytogenetic location: 9q22.33.
Variant type: single nucleotide variant.
Coding change: c.2667G>T on transcript NM_005458.8 (MANE Select); coding-DNA position 2667, G replaced by T.
Protein change: p.Gln889His; replaces glutamine 889 with histidine.
Molecular consequence: missense variant.
Genome position (GRCh38, 1-based): chr9:98,290,743, C>A on the plus strand (G>T on the coding strand, the complement: GABBR2 is on the minus strand). VCF-style: chr9-98290743-C-A. GRCh37 (hg19) VCF-style: chr9-101053025-C-A.
Other names: short protein forms Q889H.
Identifiers: ClinVar variation 3631112 (VCV003631112.2).
Genomic context (GRCh38, chr9:98,290,743, plus strand): 5'-GCCTCCGATGGATGGGAGGTAGGCGTGGTGGAGGATGGGGAGCTGGAGGGACAGCCGACG[C>A]TGGATGCTGAAGAGAAGGAGAGGGAGGAGTGTTAGTGAAGGGTAGCTGGGCGCTTACCAG-3'
Protein context (NP_005449.5, residues 879-899): IEDINSPEHI[Gln889His]RRLSLQLPIL

ClinVar aggregate classification (germline): Uncertain significance (1 of 4 stars; one submission).

Conditions:
Epileptic encephalopathy. Identifiers: MedGen C0543888, HP:0200134.

Submission:

Labcorp Genetics (formerly Invitae), Labcorp
Classification: Uncertain significance for Epileptic encephalopathy. Last evaluated: 2024-09-01. Review status: criteria provided, single submitter. Criteria: Invitae Variant Classification Sherloc (09022015). Collection method: clinical testing. Allele origin: germline.
Comment: This sequence change replaces glutamine, which is neutral and polar, with histidine, which is basic and polar, at codon 889 of the GABBR2 protein (p.Gln889His). This variant is not present in population databases (gnomAD no frequency). This variant has not been reported in the literature in individuals affected with GABBR2-related conditions. An algorithm developed to predict the effect of missense changes on protein structure and function (PolyPhen-2) suggests that this variant is likely to be disruptive. In summary, the available evidence is currently insufficient to determine the role of this variant in disease. Therefore, it has been classified as a Variant of Uncertain Significance.